The following is an entry in ClinVar:

NM_025215.6(PUS1):c.545-5C>A

Gene: PUS1 (pseudouridine synthase 1; plus strand). Cytogenetic location: 12q24.33.
Variant type: single nucleotide variant.
Coding change: c.545-5C>A on transcript NM_025215.6 (MANE Select); 5 bases into the intron before coding-DNA position 545, C replaced by A.
Molecular consequence: intron variant.
Genome position (GRCh38, 1-based): chr12:131,941,287, C>A. VCF-style: chr12-131941287-C-A. GRCh37 (hg19) VCF-style: chr12-132425832-C-A.
Other names: p.?; c.461-5C>A (NM_001002019.3, NM_001002020.3).
Identifiers: ClinVar variation 516555 (VCV000516555.16), dbSNP rs376656565, ClinGen allele CA6884185.

ClinVar aggregate classification (germline): Likely benign. Review status: criteria provided, multiple submitters, no conflicts (2 of 4 stars). 5 submissions from 5 submitters: Likely benign (5). Last evaluated 2026-06-03.

Conditions:
PUS1-related disorder. Also called: PUS1-related condition.
Myopathy, lactic acidosis, and sideroblastic anemia 1 (MLASA1). Identifiers: Orphanet 2598, MedGen C4551958, MONDO:0024553, OMIM 600462.

Allele frequency attached by ClinVar (database versions not stated): TOPMed 0.00009; 1000 Genomes Project 30x 0.00047.

Submissions (8):

PreventionGenetics, part of Exact Sciences
Classification: Likely benign for PUS1-related condition. Last evaluated: 2026-06-03. Review status: criteria provided, single submitter. Criteria: ACMG Guidelines, 2015. Collection method: clinical testing. Allele origin: germline.
Comment: This variant is classified as likely benign based on ACMG/AMP sequence variant interpretation guidelines (Richards et al. 2015 PMID: 25741868, with internal and published modifications).

Labcorp Genetics (formerly Invitae), Labcorp
Classification: Likely benign. Last evaluated: 2026-01-26. Review status: criteria provided, single submitter. Criteria: Invitae Variant Classification Sherloc (09022015). Collection method: clinical testing. Allele origin: germline.

Mayo Clinic Laboratories, Mayo Clinic
Classification: Likely benign. Last evaluated: 2025-11-20. Review status: criteria provided, single submitter. Criteria: ACMG Guidelines, 2015. Collection method: clinical testing. Allele origin: germline. Observed: 1 variant allele.
Comment: BP4, BP7

Fulgent Genetics
Classification: Likely benign for Myopathy, lactic acidosis, and sideroblastic anemia 1. Last evaluated: 2021-12-22. Review status: criteria provided, single submitter. Criteria: ACMG Guidelines, 2015. Collection method: clinical testing. Allele origin: unknown.

GeneDx
Classification: Likely benign. Last evaluated: 2017-02-28. Review status: criteria provided, single submitter. Criteria: GeneDx Variant Classification (06012015). Collection method: clinical testing. Allele origin: germline. Affected: yes.
Comment: This variant is considered likely benign or benign based on one or more of the following criteria: it is a conservative change, it occurs at a poorly conserved position in the protein, it is predicted to be benign by multiple in silico algorithms, and/or has population frequency not consistent with disease.

Dr. Peter K. Rogan Lab, Western University
No classification provided (evidence only). Condition: Familial cancer of breast. Review status: no classification provided. Collection method: in vitro. Allele origin: not applicable. Functional consequence: retained intron. Not counted in ClinVar's aggregate classification.

Dr. Peter K. Rogan Lab, Western University
No classification provided (evidence only). Condition: Uterine corpus endometrial carcinoma. Review status: no classification provided. Collection method: in vitro. Allele origin: not applicable. Functional consequence: retained intron. Not counted in ClinVar's aggregate classification.

Dr. Peter K. Rogan Lab, Western University
No classification provided (evidence only). Condition: Cervical cancer. Review status: no classification provided. Collection method: in vitro. Allele origin: not applicable. Functional consequence: skipped exon, retained intron. Not counted in ClinVar's aggregate classification.